The following is an entry in ClinVar:

NM_003072.5(SMARCA4):c.1420-12G>A

Gene: SMARCA4 (SWI/SNF related BAF chromatin remodeling complex subunit ATPase 4; plus strand). Cytogenetic location: 19p13.2.
Variant type: single nucleotide variant.
Coding change: c.1420-12G>A on transcript NM_003072.5 (MANE Select); 12 bases into the intron before coding-DNA position 1420, G replaced by A.
Molecular consequence: intron variant.
Genome position (GRCh38, 1-based): chr19:10,994,816, G>A. VCF-style: chr19-10994816-G-A. GRCh37 (hg19) VCF-style: chr19-11105492-G-A.
Other names: c.1420-12G>A (NM_001128844.3, NM_001128849.3, NM_001128847.4 and 5 more transcripts).
Identifiers: ClinVar variation 1636325 (VCV001636325.10), dbSNP rs1373222723, ClinGen allele CA783233813.

ClinVar aggregate classification (germline): Likely benign. Review status: criteria provided, multiple submitters, no conflicts (2 of 4 stars). 3 submissions from 3 submitters: Likely benign (3). Last evaluated 2026-07-06.

Conditions:
Rhabdoid tumor predisposition syndrome 2 (RTPS2). Identifiers: Orphanet 231108, Orphanet 69077, MedGen C2750074, MONDO:0013224, OMIM 613325.

Allele frequency attached by ClinVar (database versions not stated): gnomAD exomes 0.00001; TOPMed below 0.00001.
gnomAD v4.1: 13 of 1,613,340 alleles (0.00081%); highest among the groups gnomAD compares: African/African-American, 0.011%; no homozygotes.

Submissions (3):

Myriad Genetics, Inc.
Classification: Likely benign for Rhabdoid tumor predisposition syndrome 2. Last evaluated: 2026-07-06. Review status: criteria provided, single submitter. Criteria: Myriad Autosomal Dominant, Autosomal Recessive and X-Linked Classification Criteria (2023). Collection method: clinical testing. Allele origin: unknown.
Comment: This variant is considered likely benign. This variant is intronic and is not expected to impact mRNA splicing.

Labcorp Genetics (formerly Invitae), Labcorp
Classification: Likely benign for Rhabdoid tumor predisposition syndrome 2. Last evaluated: 2025-12-20. Review status: criteria provided, single submitter. Criteria: Invitae Variant Classification Sherloc (09022015). Collection method: clinical testing. Allele origin: germline.

Blueprint Genetics
Classification: Likely benign. Last evaluated: 2023-12-01. Review status: criteria provided, single submitter. Criteria: ACMG Guidelines, 2015. Collection method: clinical testing. Allele origin: germline.